The following is an entry in ClinVar:

NM_001365536.1(SCN9A):c.2876T>A (p.Val959Asp)

Genes: SCN1A-AS1 (SCN1A and SCN9A antisense RNA 1; plus strand), SCN9A (sodium voltage-gated channel alpha subunit 9; minus strand). Cytogenetic location: 2q24.3.
Variant type: single nucleotide variant.
Coding change: c.2876T>A on transcript NM_001365536.1 (MANE Select); coding-DNA position 2876, T replaced by A.
Protein change: p.Val959Asp; replaces valine 959 with aspartic acid.
Molecular consequence: missense variant.
Genome position (GRCh38, 1-based): chr2:166,272,874, A>T on the plus strand (T>A on the coding strand, the complement: SCN9A is on the minus strand). VCF-style: chr2-166272874-A-T. GRCh37 (hg19) VCF-style: chr2-167129384-A-T.
Other names: c.2843T>A, p.Val948Asp (NM_002977.4); short protein forms V948D, V959D.
Identifiers: ClinVar variation 1387923 (VCV001387923.6), dbSNP rs1697065643, ClinGen allele CA349075078.

ClinVar aggregate classification (germline): Uncertain significance (1 of 4 stars; one submission).

Conditions:
Neuropathy, hereditary sensory and autonomic, type 2A (HSAN2A). Also called: ACROOSTEOLYSIS, GIACCAI TYPE; ACROOSTEOLYSIS, NEUROGENIC; NEUROPATHY, CONGENITAL SENSORY; NEUROPATHY, HEREDITARY SENSORY RADICULAR, AUTOSOMAL RECESSIVE; NEUROPATHY, HEREDITARY SENSORY, TYPE IIA; NEUROPATHY, PROGRESSIVE SENSORY, OF CHILDREN. Identifiers: Orphanet 970, MedGen C2752089, MONDO:0024309, OMIM 201300.
Generalized epilepsy with febrile seizures plus, type 7 (GEFSP7). Also called: GEFS+, TYPE 7. Identifiers: Orphanet 36387, MedGen C2751778, MONDO:0013470, OMIM 613863.

Submission:

Labcorp Genetics (formerly Invitae), Labcorp
Classification: Uncertain significance for Neuropathy, hereditary sensory and autonomic, type 2A; Generalized epilepsy with febrile seizures plus, type 7. Last evaluated: 2021-10-19. Review status: criteria provided, single submitter. Criteria: Invitae Variant Classification Sherloc (09022015). Collection method: clinical testing. Allele origin: germline.
Comment: Algorithms developed to predict the effect of missense changes on protein structure and function (SIFT, PolyPhen-2, Align-GVGD) all suggest that this variant is likely to be disruptive. This variant is not present in population databases (ExAC no frequency). This variant has not been reported in the literature in individuals affected with SCN9A-related conditions. This sequence change replaces valine with aspartic acid at codon 948 of the SCN9A protein (p.Val948Asp). The valine residue is highly conserved and there is a large physicochemical difference between valine and aspartic acid. In summary, the available evidence is currently insufficient to determine the role of this variant in disease. Therefore, it has been classified as a Variant of Uncertain Significance.